The following is an entry in ClinVar:

NM_018051.5(DYNC2I1):c.1718A>G (p.Asp573Gly)

Gene: DYNC2I1 (dynein 2 intermediate chain 1; plus strand). Cytogenetic location: 7q36.3.
Variant type: single nucleotide variant.
Coding change: c.1718A>G on transcript NM_018051.5 (MANE Select); coding-DNA position 1718, A replaced by G.
Protein change: p.Asp573Gly; replaces aspartic acid 573 with glycine.
Molecular consequence: missense variant.
Genome position (GRCh38, 1-based): chr7:158,914,248, A>G. VCF-style: chr7-158914248-A-G. GRCh37 (hg19) VCF-style: chr7-158706939-A-G.
Other names: c.1718A>G (NM_018051.4); c.1580A>G, p.Asp527Gly (NM_001350914.2); c.1145A>G, p.Asp382Gly (NM_001350915.2); c.257A>G, p.Asp86Gly (NM_001350916.2); c.470A>G, p.Asp157Gly (NM_001350917.2, NM_001350918.2); short protein forms D157G, D382G, D527G, D573G, D86G.
Identifiers: ClinVar variation 2143237 (VCV002143237.3), dbSNP rs770506913, ClinGen allele CA170066862.

ClinVar aggregate classification (germline): Uncertain significance. Review status: criteria provided, multiple submitters, no conflicts (2 of 4 stars). 2 submissions from 2 submitters: Uncertain significance (2). Last evaluated 2025-09-01.

Conditions:
Short-rib thoracic dysplasia 8 with or without polydactyly (SRTD8). Also called: SHORT-RIB THORACIC DYSPLASIA 8 WITH POLYDACTYLY. Identifiers: Orphanet 93271, MedGen C3809691, MONDO:0014214, OMIM 615503.
Inborn genetic diseases. Identifiers: MedGen C0950123, MeSH D030342.

Allele frequency attached by ClinVar (database versions not stated): TOPMed 0.00001; gnomAD 0.00002.
gnomAD v4.1: 70 of 1,611,382 alleles (0.0043%); highest among the groups gnomAD compares: Non-Finnish European, 0.0059%; no homozygotes.

Submissions (2):

Ambry Genetics
Classification: Uncertain significance for Inborn genetic diseases. Last evaluated: 2025-09-01. Review status: criteria provided, single submitter. Criteria: Ambry Variant Classification Scheme 2023. Collection method: clinical testing. Allele origin: germline.

Labcorp Genetics (formerly Invitae), Labcorp
Classification: Uncertain significance for Short-rib thoracic dysplasia 8 with or without polydactyly. Last evaluated: 2021-12-22. Review status: criteria provided, single submitter. Criteria: Invitae Variant Classification Sherloc (09022015). Collection method: clinical testing. Allele origin: germline.
Comment: In summary, the available evidence is currently insufficient to determine the role of this variant in disease. Therefore, it has been classified as a Variant of Uncertain Significance. Algorithms developed to predict the effect of sequence changes on RNA splicing suggest that this variant may create or strengthen a splice site. Algorithms developed to predict the effect of missense changes on protein structure and function output the following: SIFT: "Tolerated"; PolyPhen-2: "Possibly Damaging"; Align-GVGD: "Class C0". The glycine amino acid residue is found in multiple mammalian species, which suggests that this missense change does not adversely affect protein function. This variant has not been reported in the literature in individuals affected with WDR60-related conditions. This variant is present in population databases (rs770506913, gnomAD 0.003%). This sequence change replaces aspartic acid, which is acidic and polar, with glycine, which is neutral and non-polar, at codon 573 of the WDR60 protein (p.Asp573Gly).